The following is an entry in ClinVar:

NM_006231.4(POLE):c.2110G>C (p.Ala704Pro)

Gene: POLE (DNA polymerase epsilon, catalytic subunit; minus strand). Cytogenetic location: 12q24.33.
Variant type: single nucleotide variant.
Coding change: c.2110G>C on transcript NM_006231.4 (MANE Select); coding-DNA position 2110, G replaced by C.
Protein change: p.Ala704Pro; replaces alanine 704 with proline.
Molecular consequence: missense variant.
Genome position (GRCh38, 1-based): chr12:132,668,419, C>G on the plus strand (G>C on the coding strand, the complement: POLE is on the minus strand). VCF-style: chr12-132668419-C-G. GRCh37 (hg19) VCF-style: chr12-133245005-C-G.
Other names: c.2110G>C (NM_006231.2); short protein forms A704P.
Identifiers: ClinVar variation 657135 (VCV000657135.13), dbSNP rs1157993567, ClinGen allele CA387353908.

ClinVar aggregate classification (germline): Uncertain significance. Review status: criteria provided, multiple submitters, no conflicts (2 of 4 stars). 2 submissions from 2 submitters: Uncertain significance (2). Last evaluated 2025-12-28.

Conditions:
Hereditary cancer-predisposing syndrome. Also called: Hereditary neoplastic syndrome; Tumor predisposition; Neoplastic Syndromes, Hereditary; Hereditary Cancer Syndrome. Identifiers: Orphanet 140162, MedGen C0027672, MeSH D009386, MONDO:0015356.

Allele frequency attached by ClinVar (database versions not stated): gnomAD exomes 0.00001.
gnomAD v4.1: 5 of 1,612,630 alleles (0.00031%); highest among the groups gnomAD compares: East Asian, 0.011%; no homozygotes.

Submissions (2):

Labcorp Genetics (formerly Invitae), Labcorp
Classification: Uncertain significance. Last evaluated: 2025-12-28. Review status: criteria provided, single submitter. Criteria: Invitae Variant Classification Sherloc (09022015). Collection method: clinical testing. Allele origin: germline.
Comment: This sequence change replaces alanine, which is neutral and non-polar, with proline, which is neutral and non-polar, at codon 704 of the POLE protein (p.Ala704Pro). This variant is not present in population databases (gnomAD no frequency). This variant has not been reported in the literature in individuals affected with POLE-related conditions. ClinVar contains an entry for this variant (Variation ID: 657135). Invitae Evidence Modeling of protein sequence and biophysical properties (such as structural, functional, and spatial information, amino acid conservation, physicochemical variation, residue mobility, and thermodynamic stability) indicates that this missense variant is not expected to disrupt POLE protein function with a negative predictive value of 80%. In summary, the available evidence is currently insufficient to determine the role of this variant in disease. Therefore, it has been classified as a Variant of Uncertain Significance.

Ambry Genetics
Classification: Uncertain significance for Hereditary cancer-predisposing syndrome. Last evaluated: 2025-07-10. Review status: criteria provided, single submitter. Criteria: Ambry Variant Classification Scheme 2023. Collection method: clinical testing. Allele origin: germline.
Comment: The p.A704P variant (also known as c.2110G>C), located in coding exon 19 of the POLE gene, results from a G to C substitution at nucleotide position 2110. The alanine at codon 704 is replaced by proline, an amino acid with highly similar properties. This amino acid position is conserved. In addition, this alteration is predicted to be tolerated by in silico analysis. Since supporting evidence is limited at this time, the clinical significance of this alteration remains unclear.